The following is an entry in ClinVar:

NM_000043.6(FAS):c.841T>A (p.Trp281Arg)

Gene: FAS (Fas cell surface death receptor; plus strand). Cytogenetic location: 10q23.31.
Variant type: single nucleotide variant.
Coding change: c.841T>A on transcript NM_000043.6 (MANE Select); coding-DNA position 841, T replaced by A.
Protein change: p.Trp281Arg; replaces tryptophan 281 with arginine.
Molecular consequence: missense variant. On other transcripts: 3 prime UTR variant (2), non-coding transcript variant (7).
Genome position (GRCh38, 1-based): chr10:89,014,283, T>A. VCF-style: chr10-89014283-T-A. GRCh37 (hg19) VCF-style: chr10-90774040-T-A.
Other names: c.*164T>A (NM_001320619.2); c.886T>A, p.Trp296Arg (NM_001410956.1); c.778T>A, p.Trp260Arg (NM_152871.4); c.*153T>A (NM_152872.4); short protein forms W281R, W296R, W260R.
Identifiers: ClinVar variation 2753226 (VCV002753226.3), dbSNP rs2495227447, ClinGen allele CA377509931.
Genomic context (GRCh38, chr10:89,014,283, plus strand): 5'-GAGATCAAGAATGACAATGTCCAAGACACAGCAGAACAGAAAGTTCAACTGCTTCGTAAT[T>A]GGCATCAACTTCATGGAAAGAAAGAAGCGTATGACACATTGATTAAAGATCTCAAAAAAG-3'
Protein context (NP_000034.1, residues 271-291): AEQKVQLLRN[Trp281Arg]HQLHGKKEAY

ClinVar aggregate classification (germline): Uncertain significance (1 of 4 stars; one submission).

Conditions:
Autoimmune lymphoproliferative syndrome type 1. Also called: AUTOIMMUNE LYMPHOPROLIFERATIVE SYNDROME, TYPE I, AUTOSOMAL DOMINANT. Identifiers: Orphanet 3261, MedGen C2717884, MONDO:0011158, OMIM 601859.

Submission:

Labcorp Genetics (formerly Invitae), Labcorp
Classification: Uncertain significance for Autoimmune lymphoproliferative syndrome. Last evaluated: 2023-08-16. Review status: criteria provided, single submitter. Criteria: Invitae Variant Classification Sherloc (09022015). Collection method: clinical testing. Allele origin: germline.
Comment: This variant has not been reported in the literature in individuals affected with FAS-related conditions. In summary, the available evidence is currently insufficient to determine the role of this variant in disease. Therefore, it has been classified as a Variant of Uncertain Significance. Advanced modeling of protein sequence and biophysical properties (such as structural, functional, and spatial information, amino acid conservation, physicochemical variation, residue mobility, and thermodynamic stability) performed at Invitae indicates that this missense variant is expected to disrupt FAS protein function. This variant is not present in population databases (gnomAD no frequency). This sequence change replaces tryptophan, which is neutral and slightly polar, with arginine, which is basic and polar, at codon 281 of the FAS protein (p.Trp281Arg).